The following is an entry in ClinVar:

ClinVar aggregate classification (germline): Likely pathogenic. Review status: criteria provided, single submitter (1 of 4 stars). 4 submissions from 3 submitters: Likely pathogenic (1). 3 of the submissions do not count toward it. Last evaluated 2025-05-19.

Conditions:
von Willebrand disease type 3 (VWD3). Also called: Type 3 Von Willebrand's disease; Type 3 VWD; Von Willebrand disease, severe form; V WD3; VON WILLEBRAND DISEASE, TYPE III. Identifiers: Orphanet 166096, MedGen C1264041, MONDO:0010191, OMIM 277480.

Submissions (4):

GeneDx
Classification: Likely pathogenic. Last evaluated: 2025-05-19. Review status: criteria provided, single submitter. Criteria: GeneDx Variant Classification Process June 2021. Collection method: clinical testing. Allele origin: germline. Affected: yes.
Comment: A variant reported as 7375insC was identified in trans with a second VWF variant in a patient with type 3 von Willebrand disease and severe bleeding symptoms, however, the image quality in this publication is such that it is difficult to confirm that this is the same variant as c.7130dup (PMID: 9569178); Identified in a patient with type 1 von Willebrand disease, however, detailed clinical and segregation information was not included (PMID: 33556167); Frameshift variant predicted to result in protein truncation or nonsense mediated decay in a gene for which loss of function is a known mechanism of disease; Not observed at significant frequency in large population cohorts (gnomAD); This variant is associated with the following publications: (PMID: 37647632, 33556167, 9569178)

Angelo Bianchi Bonomi Hemophilia and Thrombosis Center, Fondazione IRCCS Ca Granda Ospedale Maggiore Policlinico
Classification: Pathogenic for von Willebrand disease type 3. Last evaluated: 2021-04-12. Review status: no assertion criteria provided. Collection method: clinical testing. Allele origin: germline. Affected: yes. Study: Type 3 Von Willebrand International Registries Inhibitor Prospective Study (3WINTERS-IPS). Not counted in ClinVar's aggregate classification.

Academic Unit of Haematology, University of Sheffield
No classification provided. Review status: no classification provided. Collection method: not provided. Allele origin: not provided. Not counted in ClinVar's aggregate classification.

Academic Unit of Haematology, University of Sheffield
No classification provided. Review status: flagged submission. Collection method: not provided. Allele origin: not provided. Not counted in ClinVar's aggregate classification.
ClinVar note: Reason: This record appears to be redundant with a more recent record from the same submitter.
ClinVar note: Notes: SCV000119077 appears to be redundant with SCV000119078.

NM_000552.5(VWF):c.7130dup (p.His2378fs)

Gene: VWF (von Willebrand factor; minus strand). Cytogenetic location: 12p13.31.
Variant type: Duplication.
Coding change: c.7130dup on transcript NM_000552.5 (MANE Select); coding-DNA position 7130, one base duplicated (C; older notation c.7130dupC).
Protein change: p.His2378fs; shifts the reading frame from histidine 2378.
Molecular consequence: frameshift variant.
Genome position (GRCh38, 1-based): chr12:5,981,943, G duplicated on the plus strand (C on the coding strand, the reverse complement: VWF is on the minus strand); the first of 6 consecutive G bases (chr12:5,981,943-5,981,948); duplicating any one gives the same sequence. VCF-style (leftmost placement, unchanged base first): chr12-5981942-C-CG. GRCh37 (hg19) VCF-style: chr12-6091108-C-CG.
Other names: c.7125dupC (NM_000552.2); c.7130dupC (NM_000552.3); c.7130dup (NM_000552.3); short protein forms H2378fs.
Identifiers: ClinVar variation 100459 (VCV000100459.5), dbSNP rs267607359, ClinGen allele CA228774.